The following is an entry in ClinVar:

ClinVar aggregate classification (germline): Pathogenic (1 of 4 stars; one submission).

Conditions:
Familial cancer of breast. Also called: Hereditary breast cancer; BREAST CANCER, FAMILIAL; hereditary breast carcinoma. Identifiers: Orphanet 227535, MedGen C0346153, MONDO:0016419, OMIM 114480. Disease mechanism: loss of function.

Submission:

Myriad Genetics, Inc.
Classification: Pathogenic for Familial cancer of breast. Last evaluated: 2023-09-14. Review status: criteria provided, single submitter. Criteria: Myriad Autosomal Dominant, Autosomal Recessive and X-Linked Classification Criteria (2023). Collection method: clinical testing. Allele origin: unknown.
Comment: This variant is considered pathogenic. This variant creates a frameshift predicted to result in premature protein truncation.

NM_024675.4(PALB2):c.3105del (p.Ile1035fs)

Gene: PALB2 (partner and localizer of BRCA2; minus strand). Cytogenetic location: 16p12.2.
Variant type: Deletion.
Coding change: c.3105del on transcript NM_024675.4 (MANE Select); coding-DNA position 3105, one base deleted (T; older notation c.3105delT).
Protein change: p.Ile1035fs; shifts the reading frame from isoleucine 1035.
Molecular consequence: frameshift variant. On other transcripts: intron variant (1).
Genome position (GRCh38, 1-based): chr16:23,621,370, A deleted on the plus strand (T on the coding strand, the reverse complement: PALB2 is on the minus strand); the first of 2 consecutive A bases (chr16:23,621,370-23,621,371); deleting either gives the same sequence. VCF-style (leftmost placement, unchanged base first): chr16-23621369-CA-C. GRCh37 (hg19) VCF-style: chr16-23632690-CA-C.
Other names: c.3045del, p.Ile1015fs (NM_001407296.1); c.3033del, p.Ile1011fs (NM_001407297.1); c.2943del, p.Ile981fs (NM_001407298.1, NM_001407302.1); c.3105del, p.Ile1035fs (NM_001407299.1, NM_001407301.1); c.2220del, p.Ile740fs (NM_001407304.1, NM_001407305.1, NM_001407306.1 and 4 more transcripts); c.2058del, p.Ile686fs (NM_001407307.1); c.1317del, p.Ile439fs (NM_001407312.1, NM_001407313.1); c.639del, p.Ile213fs (NM_001407314.1); and 1 more; short protein forms I1011fs, I1015fs, I1035fs, I213fs, I439fs, I686fs, I740fs, I981fs.
Identifiers: ClinVar variation 2674069 (VCV002674069.1), dbSNP rs2506317139, ClinGen allele CA2695197573.